The following is an entry in ClinVar:

ClinVar aggregate classification (germline): Pathogenic/Likely pathogenic. Review status: criteria provided, multiple submitters, no conflicts (2 of 4 stars). 3 submissions from 3 submitters: Pathogenic (2); Likely pathogenic (1). Last evaluated 2026-04-01.

Conditions:
Familial idiopathic hypercalciuria (HCA2). Also called: Hypercalciuria, absorptive, susceptibility to; Hypercalciuria, absorptive, 2. Identifiers: MedGen C0342639, MONDO:0007748, OMIM 143870.

Allele frequency attached by ClinVar (database versions not stated): ExAC 0.00002; gnomAD exomes 0.00002 and 0.00004; gnomAD 0.00003 and 0.00004; TOPMed 0.00005; ESP Exome Variant Server 0.00008.

Submissions (3):

CeGaT Center for Human Genetics Tuebingen
Classification: Likely pathogenic. Last evaluated: 2026-04-01. Review status: criteria provided, single submitter. Criteria: CeGaT Center For Human Genetics Tuebingen Variant Classification Criteria Version 2. Collection method: clinical testing. Allele origin: germline. Affected: yes. Observed: 1 variant allele.
Comment: ADCY10: PVS1:Strong, PM2

Rare Kidney Stone Consortium and the Mayo Clinic Hyperoxaluria Center, Mayo Clinic
Classification: Pathogenic for Familial idiopathic hypercalciuria. Last evaluated: 2025-10-03. Review status: criteria provided, single submitter. Criteria: ACMG Guidelines, 2015. Collection method: research. Allele origin: germline. Affected: yes. Observed: 1 variant allele.
Comment: ACMG:PVS1, PM1, PM2, PP4, PP5

Labcorp Genetics (formerly Invitae), Labcorp
Classification: Pathogenic. Last evaluated: 2024-11-22. Review status: criteria provided, single submitter. Criteria: Invitae Variant Classification Sherloc (09022015). Collection method: clinical testing. Allele origin: germline.
Comment: This sequence change creates a premature translational stop signal (p.Tyr318Leufs*17) in the ADCY10 gene. It is expected to result in an absent or disrupted protein product. Loss-of-function variants in ADCY10 are known to be pathogenic (PMID: 31119281). This variant is present in population databases (rs763059448, gnomAD 0.006%). This variant has not been reported in the literature in individuals affected with ADCY10-related conditions. ClinVar contains an entry for this variant (Variation ID: 1454870). For these reasons, this variant has been classified as Pathogenic.

Literature cited by the submitters: PubMed 40794449 (cited by Rare Kidney Stone Consortium and the Mayo Clinic Hyperoxaluria Center, Mayo Clinic); PubMed 31119281 (cited by Labcorp Genetics (formerly Invitae), Labcorp).

NM_018417.6(ADCY10):c.952dup (p.Tyr318fs)

Genes: ADCY10 (adenylate cyclase 10; minus strand), DCAF6 (DDB1 and CUL4 associated factor 6; plus strand). Cytogenetic location: 1q24.2.
Variant type: Duplication.
Coding change: c.952dup on transcript NM_018417.6 (MANE Select); coding-DNA position 952, one base duplicated (T; older notation c.952dupT).
Protein change: p.Tyr318fs; shifts the reading frame from tyrosine 318.
Molecular consequence: frameshift variant.
Genome position (GRCh38, 1-based): chr1:167,883,505, A duplicated on the plus strand (T on the coding strand, the reverse complement: ADCY10 is on the minus strand). VCF-style (leftmost placement, unchanged base first): chr1-167883504-T-TA. GRCh37 (hg19) VCF-style: chr1-167852742-T-TA.
Other names: c.493dup, p.Tyr165fs (NM_001167749.3); c.676dup, p.Tyr226fs (NM_001297772.2); c.952dupT (NM_018417.6); short protein forms Y226fs, Y318fs, Y165fs.
Identifiers: ClinVar variation 1454870 (VCV001454870.7), dbSNP rs763059448, ClinGen allele CA1228118.
Genomic context (GRCh38, chr1:167,883,504, plus strand): 5'-AACATGAAGACTTTATTGATTTGGCCTTGGAAGATCTTCAGGACAGAAGTGATGTGCATA[T>TA]AGGCATCCTGGATGGCTGGGCCTATCTCTTCTGCTTTGTCTTGGTCTTCAAACATCAGGT-3'